The following is an entry in ClinVar:

NM_014946.4(SPAST):c.586+9_586+12del

Gene: SPAST (spastin; plus strand). Cytogenetic location: 2p22.3.
Variant type: Deletion.
Coding change: c.586+9_586+12del on transcript NM_014946.4 (MANE Select); bases 9 to 12 of the intron after coding-DNA position 586, 4 bases deleted (TAAT; older notation c.586+9_586+12delTAAT).
Molecular consequence: intron variant.
Genome position (GRCh38, 1-based): chr2:32,089,614-32,089,617, TAAT deleted; deleting any 4 consecutive bases within chr2:32,089,611-32,089,617 gives the same sequence; the c. name uses the placement nearest the transcript's 3' end. VCF-style (leftmost placement, unchanged base first): chr2-32089610-CAATT-C. GRCh37 (hg19) VCF-style: chr2-32314679-CAATT-C.
Other names: p.?; c.586+9_586+12delTAAT (NM_014946.3); c.586+9_586+12del (NM_199436.2, NM_001377959.1); c.583+9_583+12del (NM_001363823.2, NM_001363875.2).
Identifiers: ClinVar variation 335830 (VCV000335830.62), dbSNP rs554544808, ClinGen allele CA1600625.

ClinVar aggregate classification (germline): Conflicting classifications of pathogenicity. Review status: criteria provided, conflicting classifications (1 of 4 stars). 6 submissions from 6 submitters: Uncertain significance (1); Benign (1); Likely benign (4). Last evaluated 2025-12-20.

Conditions:
Hereditary spastic paraplegia 4. Also called: Spastic Paraplegia 4; Spastic paraplegia 4, autosomal dominant; Familial spastic paraplegia autosomal dominant 2. Identifiers: Orphanet 100985, MedGen C1866855, MONDO:0008438, OMIM 182601.
SPAST-related disorder. Also called: SPAST-related condition.

Submissions (6):

Labcorp Genetics (formerly Invitae), Labcorp
Classification: Likely benign for Hereditary spastic paraplegia 4. Last evaluated: 2025-12-20. Review status: criteria provided, single submitter. Criteria: Invitae Variant Classification Sherloc (09022015). Collection method: clinical testing. Allele origin: germline.

Mayo Clinic Laboratories, Mayo Clinic
Classification: Likely benign. Last evaluated: 2025-09-30. Review status: criteria provided, single submitter. Criteria: ACMG Guidelines, 2015. Collection method: clinical testing. Allele origin: germline. Observed: 2 variant alleles.
Comment: BS2, BP4, BP7

PreventionGenetics, part of Exact Sciences
Classification: Likely benign for SPAST-related condition. Last evaluated: 2024-12-17. Review status: criteria provided, single submitter. Criteria: ACMG Guidelines, 2015. Collection method: clinical testing. Allele origin: germline.
Comment: This variant is classified as likely benign based on ACMG/AMP sequence variant interpretation guidelines (Richards et al. 2015 PMID: 25741868, with internal and published modifications).

Athena Diagnostics
Classification: Benign. Last evaluated: 2021-04-05. Review status: criteria provided, single submitter. Criteria: Athena Diagnostics criteria. Collection method: clinical testing. Allele origin: unknown.

CeGaT Center for Human Genetics Tuebingen
Classification: Uncertain significance. Last evaluated: 2021-03-01. Review status: criteria provided, single submitter. Criteria: CeGaT Center For Human Genetics Tuebingen Variant Classification Criteria Version 2. Collection method: clinical testing. Allele origin: germline. Affected: yes. Observed: 7 variant alleles.

GeneDx
Classification: Likely benign. Last evaluated: 2019-10-21. Review status: criteria provided, single submitter. Criteria: GeneDx Variant Classification Process June 2021. Collection method: clinical testing. Allele origin: germline. Affected: yes.
Comment: This variant is associated with the following publications: (PMID: 11402104)

Literature cited by the submitters: PubMed 11402104 (cited by Mayo Clinic Laboratories, Mayo Clinic); PubMed 35472722 (cited by Mayo Clinic Laboratories, Mayo Clinic).